The following is an entry in ClinVar:

ClinVar aggregate classification (germline): Likely benign. Review status: criteria provided, single submitter (1 of 4 stars). 2 submissions from 2 submitters: Likely benign (1). 1 of the submissions does not count toward it.

Conditions:
CAPN15-related disorder. Also called: CAPN15-related condition.

Allele frequency attached by ClinVar (database versions not stated): 1000 Genomes Project 0.00100; gnomAD 0.00102; TOPMed 0.00102; ExAC 0.00124; 1000 Genomes Project 30x 0.00125; ESP Exome Variant Server 0.00128.
gnomAD v4.1: 349 of 1,550,398 alleles (0.023%); highest among the groups gnomAD compares: African/African-American, 0.34%; 1 homozygote.

Submissions (3):

Breakthrough Genomics
Classification: Likely benign. Review status: criteria provided, single submitter. Criteria: ACMG Guidelines, 2015. Collection method: not provided. Allele origin: germline. Inheritance: Autosomal recessive inheritance. Affected: yes.

PreventionGenetics, part of Exact Sciences
Classification: Likely benign for CAPN15-related condition. Last evaluated: 2024-07-15. Review status: no assertion criteria provided. Collection method: clinical testing. Allele origin: germline. Not counted in ClinVar's aggregate classification.
Comment: This variant is classified as likely benign based on ACMG/AMP sequence variant interpretation guidelines (Richards et al. 2015 PMID: 25741868, with internal and published modifications).

Dr. Peter K. Rogan Lab, Western University
No classification provided (evidence only). Condition: Thymoma. Review status: no classification provided. Collection method: in vitro. Allele origin: not applicable. Functional consequence: retained intron. Not counted in ClinVar's aggregate classification.

NM_005632.3(CAPN15):c.1404C>T (p.Gly468=)

Gene: CAPN15 (calpain 15; plus strand). Cytogenetic location: 16p13.3.
Variant type: single nucleotide variant.
Coding change: c.1404C>T on transcript NM_005632.3 (MANE Select); coding-DNA position 1404, C replaced by T.
Protein change: p.Gly468=; no amino-acid change (glycine 468 retained).
Molecular consequence: synonymous variant.
Genome position (GRCh38, 1-based): chr16:548,242, C>T. VCF-style: chr16-548242-C-T. GRCh37 (hg19) VCF-style: chr16-598242-C-T.
Other names: NC_000016.9:g.598242C>T.
Identifiers: ClinVar variation 3054466 (VCV003054466.4), dbSNP rs374456445, ClinGen allele CA7778323.